The following is an entry in ClinVar:

ClinVar aggregate classification (germline): Uncertain significance (1 of 4 stars; one submission).

Conditions:
Immunodeficiency 132A. Also called: Herpes simplex encephalitis, susceptibility to, 3. Identifiers: Orphanet 1930, MedGen C3553868, MONDO:0013920, OMIM 614849.

Submission:

Labcorp Genetics (formerly Invitae), Labcorp
Classification: Uncertain significance for Immunodeficiency 132A. Last evaluated: 2025-08-04. Review status: criteria provided, single submitter. Criteria: Invitae Variant Classification Sherloc (09022015). Collection method: clinical testing. Allele origin: germline.
Comment: This sequence change replaces glutamine, which is neutral and polar, with arginine, which is basic and polar, at codon 36 of the TRAF3 protein (p.Gln36Arg). This variant is not present in population databases (gnomAD no frequency). This variant has not been reported in the literature in individuals affected with TRAF3-related conditions. ClinVar contains an entry for this variant (Variation ID: 3725310). An algorithm developed to predict the effect of missense changes on protein structure and function (PolyPhen-2) suggests that this variant is likely to be tolerated. In summary, the available evidence is currently insufficient to determine the role of this variant in disease. Therefore, it has been classified as a Variant of Uncertain Significance.

NM_145725.3(TRAF3):c.107A>G (p.Gln36Arg)

Gene: TRAF3 (TNF receptor associated factor 3; plus strand). Cytogenetic location: 14q32.32.
Variant type: single nucleotide variant.
Coding change: c.107A>G on transcript NM_145725.3 (MANE Select); coding-DNA position 107, A replaced by G.
Protein change: p.Gln36Arg; replaces glutamine 36 with arginine.
Molecular consequence: missense variant.
Genome position (GRCh38, 1-based): chr14:102,870,308, A>G. VCF-style: chr14-102870308-A-G. GRCh37 (hg19) VCF-style: chr14-103336645-A-G.
Other names: c.107A>G, p.Gln36Arg (NM_001199427.2, NM_001385142.1, NM_001385143.1 and 2 more transcripts); short protein forms Q36R.
Identifiers: ClinVar variation 3725310 (VCV003725310.2).
Genomic context (GRCh38, chr14:102,870,308, plus strand): 5'-ACCCGCCGCTAAAGCTGCACACTGACCGCAGTGCTGGGACGCCAGTTTTTGTCCCTGAAC[A>G]AGGAGGTTACAAGGAAAAGTTTGTGAAGACCGTGGAGGACAAGTACAAGTGTGAGAAGTG-3'
Protein context (NP_663777.1, residues 26-46): SAGTPVFVPE[Gln36Arg]GGYKEKFVKT